The following is an entry in ClinVar:

NM_206933.4(USH2A):c.14642G>C (p.Ser4881Thr)

Gene: USH2A (usherin; minus strand). Cytogenetic location: 1q41.
Variant type: single nucleotide variant.
Coding change: c.14642G>C on transcript NM_206933.4 (MANE Select); coding-DNA position 14642, G replaced by C.
Protein change: p.Ser4881Thr; replaces serine 4881 with threonine.
Molecular consequence: missense variant.
Genome position (GRCh38, 1-based): chr1:215,647,671, C>G on the plus strand (G>C on the coding strand, the complement: USH2A is on the minus strand). VCF-style: chr1-215647671-C-G. GRCh37 (hg19) VCF-style: chr1-215821013-C-G.
Other names: short protein forms S4881T.
Identifiers: ClinVar variation 516848 (VCV000516848.61), dbSNP rs200949691, ClinGen allele CA1392956.

ClinVar aggregate classification (germline): Conflicting classifications of pathogenicity. Review status: criteria provided, conflicting classifications (1 of 4 stars). 7 submissions from 7 submitters: Uncertain significance (1); Benign (1); Likely benign (5). Last evaluated 2026-01-24.

Conditions:
USH2A-related disorder. Also called: USH2A-related condition; USH2A-related disorders. Identifiers: MedGen CN239332.
Retinal dystrophy. Also called: Inherited retinal dystrophy. Identifiers: Orphanet 71862, MedGen C0854723, MeSH D058499, MONDO:0019118, HP:0000556.

Allele frequency attached by ClinVar (database versions not stated): gnomAD 0.00024 and 0.00044; TOPMed 0.00024; gnomAD exomes 0.00050 and 0.00056; ExAC 0.00056; 1000 Genomes Project 30x 0.00094; 1000 Genomes Project 0.00120.
gnomAD v4.1: 873 of 1,614,118 alleles (0.054%); highest among the groups gnomAD compares: East Asian, 1.4%; 9 homozygotes.

Submissions (7):

Labcorp Genetics (formerly Invitae), Labcorp
Classification: Likely benign. Last evaluated: 2026-01-24. Review status: criteria provided, single submitter. Criteria: Invitae Variant Classification Sherloc (09022015). Collection method: clinical testing. Allele origin: germline.

Blueprint Genetics
Classification: Likely benign. Last evaluated: 2024-11-06. Review status: criteria provided, single submitter. Criteria: ACMG Guidelines, 2015. Collection method: clinical testing. Allele origin: germline.

PreventionGenetics, part of Exact Sciences
Classification: Likely benign for USH2A-related condition. Last evaluated: 2024-10-28. Review status: criteria provided, single submitter. Criteria: ACMG Guidelines, 2015. Collection method: clinical testing. Allele origin: germline.
Comment: This variant is classified as likely benign based on ACMG/AMP sequence variant interpretation guidelines (Richards et al. 2015 PMID: 25741868, with internal and published modifications).

Dept Of Ophthalmology, Nagoya University
Classification: Benign for Retinal dystrophy. Last evaluated: 2023-10-01. Review status: criteria provided, single submitter. Criteria: Submitter's publication. Collection method: research. Allele origin: germline. Affected: yes.

GeneDx
Classification: Likely benign. Last evaluated: 2020-03-13. Review status: criteria provided, single submitter. Criteria: GeneDx Variant Classification Process June 2021. Collection method: clinical testing. Allele origin: germline. Affected: yes.
Comment: This variant is associated with the following publications: (PMID: 21593743)

CeGaT Center for Human Genetics Tuebingen
Classification: Uncertain significance. Last evaluated: 2019-05-01. Review status: criteria provided, single submitter. Criteria: CeGaT Center For Human Genetics Tuebingen Variant Classification Criteria Version 2. Collection method: clinical testing. Allele origin: germline. Affected: yes. Observed: 1 variant allele.

Eurofins Ntd Llc (ga)
Classification: Likely benign. Last evaluated: 2017-08-21. Review status: criteria provided, single submitter. Criteria: EGL Classification Definitions 2015. Collection method: clinical testing. Allele origin: germline. Observed: 1 variant allele, 1 heterozygote.